The following is an entry in ClinVar:

NM_198994.3(TGM6):c.*87C>A

Gene: TGM6 (transglutaminase 6; plus strand). Cytogenetic location: 20p13.
Variant type: single nucleotide variant.
Coding change: c.*87C>A on transcript NM_198994.3 (MANE Select); 87 bases downstream of the stop codon, C replaced by A.
Molecular consequence: 3 prime UTR variant.
Genome position (GRCh38, 1-based): chr20:2,432,730, C>A. VCF-style: chr20-2432730-C-A. GRCh37 (hg19) VCF-style: chr20-2413376-C-A.
Other names: c.*196C>A (NM_001254734.2).
Identifiers: ClinVar variation 337942 (VCV000337942.6), dbSNP rs45544131, ClinGen allele CA10643609.

ClinVar aggregate classification (germline): Benign. Review status: criteria provided, multiple submitters, no conflicts (2 of 4 stars). 2 submissions from 2 submitters: Benign (2). Last evaluated 2018-01-13.

Conditions:
Spinocerebellar ataxia type 35. Identifiers: Orphanet 276193, MedGen C3888031, MONDO:0013485, OMIM 613908.

Allele frequency attached by ClinVar (database versions not stated): 1000 Genomes Project 0.00060; 1000 Genomes Project 30x 0.00078; TOPMed 0.00214; gnomAD 0.00240; gnomAD exomes 0.00360.
gnomAD v4.1: 5,396 of 1,587,444 alleles (0.34%); highest among the groups gnomAD compares: Non-Finnish European, 0.44%; 12 homozygotes.

Submissions (2):

Illumina Laboratory Services, Illumina
Classification: Benign for Spinocerebellar ataxia type 35. Last evaluated: 2018-01-13. Review status: criteria provided, single submitter. Criteria: ICSL Variant Classification Criteria 13 December 2019. Collection method: clinical testing. Allele origin: germline.
Comment: This variant was observed in the ICSL laboratory as part of a predisposition screen in an ostensibly healthy population. It had not been previously curated by ICSL or reported in the Human Gene Mutation Database (HGMD: prior to June 1st, 2018), and was therefore a candidate for classification through an automated scoring system. Utilizing variant allele frequency, disease prevalence and penetrance estimates, and inheritance mode, an automated score was calculated to assess if this variant is too frequent to cause the disease. Based on the score and internal cut-off values, a variant classified as benign is not then subjected to further curation. The score for this variant resulted in a classification of benign for this disease.

Breakthrough Genomics
Classification: Benign. Review status: criteria provided, single submitter. Criteria: ACMG Guidelines, 2015. Collection method: not provided. Allele origin: germline. Inheritance: Autosomal dominant inheritance. Affected: yes.